The following is an entry in ClinVar:

NM_004036.5(ADCY3):c.4C>T (p.Pro2Ser)

Gene: ADCY3 (adenylate cyclase 3; minus strand). Cytogenetic location: 2p23.3.
Variant type: single nucleotide variant.
Coding change: c.4C>T on transcript NM_004036.5 (MANE Select); coding-DNA position 4, C replaced by T.
Protein change: p.Pro2Ser; replaces proline 2 with serine.
Molecular consequence: missense variant.
Genome position (GRCh38, 1-based): chr2:24,918,984, G>A on the plus strand (C>T on the coding strand, the complement: ADCY3 is on the minus strand). VCF-style: chr2-24918984-G-A. GRCh37 (hg19) VCF-style: chr2-25141853-G-A.
Other names: c.4C>T, p.Pro2Ser (NM_001320613.2, NM_001377128.1, NM_001377129.1 and 2 more transcripts); short protein forms P2S.
Identifiers: ClinVar variation 5000164 (VCV005000164.1).

ClinVar aggregate classification (germline): Uncertain significance (1 of 4 stars; one submission).

Conditions:
ADCY3-related disorder. Also called: ADCY3-related condition.

Submission:

PreventionGenetics, part of Exact Sciences
Classification: Uncertain significance for ADCY3-related condition. Last evaluated: 2025-04-09. Review status: criteria provided, single submitter. Criteria: ACMG Guidelines, 2015. Collection method: clinical testing. Allele origin: germline.
Comment: The ADCY3 c.4C>T variant is predicted to result in the amino acid substitution p.Pro2Ser. To our knowledge, this variant has not been reported in the literature or in a large population database (gnomAD), indicating this variant is rare. At this time, the clinical significance of this variant is uncertain due to the absence of conclusive functional and genetic evidence.